The following is an entry in ClinVar:

NM_000287.4(PEX6):c.-2C>G

Gene: PEX6 (peroxisomal biogenesis factor 6; minus strand). Cytogenetic location: 6p21.1.
Variant type: single nucleotide variant.
Coding change: c.-2C>G on transcript NM_000287.4 (MANE Select); 2 bases upstream of the start codon, C replaced by G.
Molecular consequence: 5 prime UTR variant. On other transcripts: non-coding transcript variant (1).
Genome position (GRCh38, 1-based): chr6:42,979,152, G>C on the plus strand (C>G on the coding strand, the complement: PEX6 is on the minus strand). VCF-style: chr6-42979152-G-C. GRCh37 (hg19) VCF-style: chr6-42946890-G-C.
Other names: c.-2C>G (NM_001316313.2, NM_000287.3).
Identifiers: ClinVar variation 501690 (VCV000501690.7), dbSNP rs376675730, ClinGen allele CA3811653.
Genomic context (GRCh38, chr6:42,979,152, plus strand): 5'-GCCAACGGGGGTGTCTCGGTCGGAAAGGGCTCCAGGACCCGCAAGACAGCCAGCGCCATG[G>C]TGACAGGACACCAACGAGGAGGGTGAAGGAGCGCAGCTTCCGGAGCCAGAGAGCCAGACG-3'

ClinVar aggregate classification (germline): Uncertain significance. Review status: criteria provided, single submitter (1 of 4 stars). 2 submissions from 2 submitters: Uncertain significance (1). 1 of the submissions does not count toward it. Last evaluated 2017-05-02.

Conditions:
PEX6-related disorder. Also called: PEX6-related condition; PEX6-related disorders.

Allele frequency attached by ClinVar (database versions not stated): ExAC 0.00031; gnomAD 0.00033 and 0.00036; TOPMed 0.00046; ESP Exome Variant Server 0.00049; gnomAD exomes 0.00011; 1000 Genomes Project 0.00020; 1000 Genomes Project 30x 0.00031.
gnomAD v4.1: 106 of 1,577,870 alleles (0.0067%); highest among the groups gnomAD compares: African/African-American, 0.12%; no homozygotes.

Submissions (2):

Eurofins Ntd Llc (ga)
Classification: Uncertain significance. Last evaluated: 2017-05-02. Review status: criteria provided, single submitter. Criteria: EGL Classification Definitions 2015. Collection method: clinical testing. Allele origin: germline. Observed: 1 variant allele, 1 heterozygote.

PreventionGenetics, part of Exact Sciences
Classification: Likely benign for PEX6-related condition. Last evaluated: 2022-02-23. Review status: no assertion criteria provided. Collection method: clinical testing. Allele origin: germline. Not counted in ClinVar's aggregate classification.
Comment: This variant is classified as likely benign based on ACMG/AMP sequence variant interpretation guidelines (Richards et al. 2015 PMID: 25741868, with internal and published modifications).